The following is an entry in ClinVar:

NM_001875.5(CPS1):c.3509_3511delinsA (p.Val1170fs)

Gene: CPS1 (carbamoyl-phosphate synthase 1; plus strand). Cytogenetic location: 2q34.
Variant type: Indel.
Coding change: c.3509_3511delinsA on transcript NM_001875.5 (MANE Select); coding-DNA positions 3509 to 3511, TTG replaced by A.
Protein change: p.Val1170fs; shifts the reading frame from valine 1170.
Molecular consequence: frameshift variant. On other transcripts: non-coding transcript variant (2).
Genome position (GRCh38, 1-based): chr2:210,654,053-210,654,055, TTG replaced by A. VCF-style: chr2-210654053-TTG-A. GRCh37 (hg19) VCF-style: chr2-211518777-TTG-A.
Other names: c.3509_3511delinsA, p.Val1170fs (NM_001122633.3, NM_001369257.1); c.3542_3544delinsA, p.Val1181fs (NM_001369256.1); short protein forms V1170fs, V1181fs.
Identifiers: ClinVar variation 1724861 (VCV001724861.2), dbSNP rs2469311449, ClinGen allele CA2580065524.

ClinVar aggregate classification (germline): Likely pathogenic (1 of 4 stars; one submission).

Conditions:
Congenital hyperammonemia, type I. Also called: Carbamoyl phosphate synthetase 1 deficiency; Hyperammonemia due to carbamoyl phosphate synthetase 1 deficiency; CPS 1 deficiency; Carbamyl phosphate synthetase (CPS) deficiency; CPS I DEFICIENCY; Carbamoyl-phosphate synthase I deficiency. Identifiers: Orphanet 147, MedGen C4082171, MONDO:0009376, OMIM 237300.

Submission:

Myriad Genetics, Inc.
Classification: Likely pathogenic for Congenital hyperammonemia, type I. Last evaluated: 2022-03-02. Review status: criteria provided, single submitter. Criteria: Myriad Women's Health Autosomal Recessive and X-Linked Classification Criteria (2021). Collection method: clinical testing. Allele origin: unknown.
Comment: NM_001875.4(CPS1):c.3509_3511delTTGinsA(V1170Efs*24) is expected to be pathogenic in the context of carbamoylphosphate synthetase I deficiency. This variant is predicted to lead to an abnormal or absent protein product due to the creation of a premature termination codon in CPS1, a gene where loss-of-function variants are known to be pathogenic. Please note: this variant was assessed in the context of healthy population screening.